The following is an entry in ClinVar:

NM_001374353.1(GLI2):c.3388A>C (p.Asn1130His)

Gene: GLI2 (GLI family zinc finger 2; plus strand). Cytogenetic location: 2q14.2.
Variant type: single nucleotide variant.
Coding change: c.3388A>C on transcript NM_001374353.1 (MANE Select); coding-DNA position 3388, A replaced by C.
Protein change: p.Asn1130His; replaces asparagine 1130 with histidine.
Molecular consequence: missense variant.
Genome position (GRCh38, 1-based): chr2:120,989,353, A>C. VCF-style: chr2-120989353-A-C. GRCh37 (hg19) VCF-style: chr2-121746929-A-C.
Other names: c.3439A>C, p.Asn1147His (NM_001371271.1, NM_005270.5); c.3013A>C, p.Asn1005His (NM_001374354.1); short protein forms N1005H, N1130H, N1147H.
Identifiers: ClinVar variation 3363796 (VCV003363796.1).

ClinVar aggregate classification (germline): Uncertain significance (1 of 4 stars; one submission).

Submission:

GeneDx
Classification: Uncertain significance. Last evaluated: 2023-11-01. Review status: criteria provided, single submitter. Criteria: GeneDx Variant Classification Process June 2021. Collection method: clinical testing. Allele origin: germline. Affected: yes.
Comment: Not observed at significant frequency in large population cohorts (gnomAD); In silico analysis supports that this missense variant has a deleterious effect on protein structure/function; Has not been previously published as pathogenic or benign to our knowledge